The following is an entry in ClinVar:

ClinVar aggregate classification (germline): Uncertain significance (1 of 4 stars; one submission).

Conditions:
PLXNA3-related disorder. Also called: PLXNA3-related condition.

Submission:

PreventionGenetics, part of Exact Sciences
Classification: Uncertain significance for PLXNA3-related condition. Last evaluated: 2025-06-26. Review status: criteria provided, single submitter. Criteria: ACMG Guidelines, 2015. Collection method: clinical testing. Allele origin: germline.
Comment: The PLXNA3 c.60C>A variant is predicted to result in the amino acid substitution p.Asn20Lys. To our knowledge, this variant has not been reported in the literature or in a large population database (gnomAD), indicating this variant is rare. At this time, the clinical significance of this variant is uncertain due to the absence of conclusive functional and genetic evidence.

NM_017514.5(PLXNA3):c.60C>A (p.Asn20Lys)

Gene: PLXNA3 (plexin A3; plus strand). Cytogenetic location: Xq28.
Variant type: single nucleotide variant.
Coding change: c.60C>A on transcript NM_017514.5 (MANE Select); coding-DNA position 60, C replaced by A.
Protein change: p.Asn20Lys; replaces asparagine 20 with lysine.
Molecular consequence: missense variant.
Genome position (GRCh38, 1-based): chrX:154,460,243, C>A. VCF-style: chrX-154460243-C-A. GRCh37 (hg19) VCF-style: chrX-153688583-C-A.
Other names: short protein forms N20K.
Identifiers: ClinVar variation 4996959 (VCV004996959.1).